The following is an entry in ClinVar:

ClinVar aggregate classification (germline): Uncertain significance (1 of 4 stars; one submission).

Conditions:
Hyperkalemic periodic paralysis. Also called: Familial hyperkalemic periodic paralysis; Gamstorp disease. Identifiers: Orphanet 682, MedGen C0238357, MONDO:0008224, OMIM 170500, HP:0007215.

Submission:

Labcorp Genetics (formerly Invitae), Labcorp
Classification: Uncertain significance for Hyperkalemic periodic paralysis. Last evaluated: 2018-12-10. Review status: criteria provided, single submitter. Criteria: Invitae Variant Classification Sherloc (09022015). Collection method: clinical testing. Allele origin: germline.
Comment: In summary, the available evidence is currently insufficient to determine the role of this variant in disease. Therefore, it has been classified as a Variant of Uncertain Significance. Experimental studies and prediction algorithms are not available for this variant, and the functional significance of the affected amino acid(s) is currently unknown. This variant has not been reported in the literature in individuals with SCN4A-related conditions. This variant is not present in population databases (ExAC no frequency). This variant, c.5110_5112delAAG, results in the deletion of 1 amino acid(s) of the SCN4A protein (p.Lys1704del), but otherwise preserves the integrity of the reading frame.

NM_000334.4(SCN4A):c.5110_5112del (p.Lys1704del)

Genes: GH-LCR (growth hormone locus control region; plus strand), SCN4A (sodium voltage-gated channel alpha subunit 4; minus strand). Cytogenetic location: 17q23.3.
Variant type: Deletion.
Coding change: c.5110_5112del on transcript NM_000334.4 (MANE Select); coding-DNA positions 5110 to 5112, 3 bases deleted (AAG; older notation c.5110_5112delAAG).
Protein change: p.Lys1704del; deletes lysine 1704.
Molecular consequence: inframe deletion.
Genome position (GRCh38, 1-based): chr17:63,941,170-63,941,172, CTT deleted on the plus strand (AAG on the coding strand, the reverse complement: SCN4A is on the minus strand); deleting any 3 consecutive bases within chr17:63,941,170-63,941,174 gives the same sequence; the c. name uses the placement nearest the transcript's 3' end. VCF-style (leftmost placement, unchanged base first): chr17-63941169-ACTT-A. GRCh37 (hg19) VCF-style: chr17-62018529-ACTT-A.
Other names: c.5110_5112delAAG (NM_000334.4); short protein forms K1704del.
Identifiers: ClinVar variation 651872 (VCV000651872.9), dbSNP rs1598404848, ClinGen allele CA915950729.